The following is an entry in ClinVar:

NM_001271938.2(MEGF8):c.1784_1788+3del

Gene: MEGF8 (multiple EGF like domains 8; plus strand). Cytogenetic location: 19q13.2.
Variant type: Deletion.
Coding change: c.1784_1788+3del on transcript NM_001271938.2 (MANE Select); coding-DNA position 1784 through 3 bases into the intron after coding-DNA position 1788, 8 bases deleted (GGGCTGTG; older notation c.1784_1788+3delGGGCTGTG).
Molecular consequence: splice donor variant.
Genome position (GRCh38, 1-based): chr19:42,344,069-42,344,076, GGGCTGTG deleted; deleting any 8 consecutive bases within chr19:42,344,068-42,344,076 gives the same sequence; the c. name uses the placement nearest the transcript's 3' end. VCF-style (leftmost placement, unchanged base first): chr19-42344067-GGGGGCTGT-G. GRCh37 (hg19) VCF-style: chr19-42848219-GGGGGCTGT-G.
Other names: c.1784_1788+3del (NM_001410.3).
Identifiers: ClinVar variation 2017970 (VCV002017970.4), dbSNP rs2514272936, ClinGen allele CA2580097354.

ClinVar aggregate classification (germline): Likely pathogenic (1 of 4 stars; one submission).

Conditions:
MEGF8-related Carpenter syndrome. Also called: Carpenter syndrome 2. Identifiers: Orphanet 65759, MedGen C3554247, MONDO:0013998, OMIM 614976.

Submission:

Labcorp Genetics (formerly Invitae), Labcorp
Classification: Likely pathogenic for MEGF8-related Carpenter syndrome. Last evaluated: 2022-07-17. Review status: criteria provided, single submitter. Criteria: Invitae Variant Classification Sherloc (09022015). Collection method: clinical testing. Allele origin: germline.
Comment: This variant results in the deletion of part of exon 10 (c.1784_1788+3del) of the MEGF8 gene. It is expected to disrupt RNA splicing. Variants that disrupt the donor or acceptor splice site typically lead to a loss of protein function (PMID: 16199547), and loss-of-function variants in MEGF8 are known to be pathogenic (PMID: 23063620). This variant is not present in population databases (gnomAD no frequency). This variant has not been reported in the literature in individuals affected with MEGF8-related conditions. Algorithms developed to predict the effect of sequence changes on RNA splicing suggest that this variant may disrupt the consensus splice site. In summary, the currently available evidence indicates that the variant is pathogenic, but additional data are needed to prove that conclusively. Therefore, this variant has been classified as Likely Pathogenic.

Literature cited by the submitters: PubMed 16199547; PubMed 23063620.